The following is an entry in ClinVar:

NM_001903.5(CTNNA1):c.1219G>A (p.Ala407Thr)

Gene: CTNNA1 (catenin alpha 1; plus strand). Cytogenetic location: 5q31.2.
Variant type: single nucleotide variant.
Coding change: c.1219G>A on transcript NM_001903.5 (MANE Select); coding-DNA position 1219, G replaced by A.
Protein change: p.Ala407Thr; replaces alanine 407 with threonine.
Molecular consequence: missense variant. On other transcripts: 5 prime UTR variant (5), intron variant (2).
Genome position (GRCh38, 1-based): chr5:138,887,565, G>A. VCF-style: chr5-138887565-G-A. GRCh37 (hg19) VCF-style: chr5-138223254-G-A.
Other names: c.1219G>A, p.Ala407Thr (NM_001290307.3, NM_001323982.2, NM_001323983.1 and 3 more transcripts); c.910G>A, p.Ala304Thr (NM_001290309.3); c.850G>A, p.Ala284Thr (NM_001290310.3); c.109G>A, p.Ala37Thr (NM_001290312.1, NM_001323987.1, NM_001323988.1 and 18 more transcripts); c.-289G>A (NM_001324006.1, NM_001324007.1, NM_001324008.1 and 1 more transcripts); c.-164G>A (NM_001324013.1); c.-58+11968G>A (NM_001324012.1); c.-61+11968G>A (NM_001324010.1); and 1 more; short protein forms A284T, A407T, A304T, A37T.
Identifiers: ClinVar variation 1497131 (VCV001497131.7), dbSNP rs2150032517, ClinGen allele CA361133096.
Genomic context (GRCh38, chr5:138,887,565, plus strand): 5'-ATGGACCACGTTTCAGATTCTTTCCTGGAAACCAATGTTCCACTTTTGGTATTGATTGAA[G>A]CTGCAAAGAATGGAAATGAGAAAGAAGTTAAGGAGTATGCCCAAGTTTTCCGTGAACATG-3'
Protein context (NP_001894.2, residues 397-417): TNVPLLVLIE[Ala407Thr]AKNGNEKEVK

ClinVar aggregate classification (germline): Uncertain significance. Review status: criteria provided, multiple submitters, no conflicts (2 of 4 stars). 2 submissions from 2 submitters: Uncertain significance (2). Last evaluated 2024-10-19.

Conditions:
Hereditary cancer-predisposing syndrome. Also called: Tumor predisposition; Hereditary neoplastic syndrome; Neoplastic Syndromes, Hereditary; Hereditary Cancer Syndrome. Identifiers: Orphanet 140162, MedGen C0027672, MeSH D009386, MONDO:0015356.

gnomAD v4.1: 1 of 1,612,366 alleles (0.000062%); highest among the groups gnomAD compares: Admixed American, 0.0017%; no homozygotes.

Submissions (2):

Labcorp Genetics (formerly Invitae), Labcorp
Classification: Uncertain significance. Last evaluated: 2024-10-19. Review status: criteria provided, single submitter. Criteria: Invitae Variant Classification Sherloc (09022015). Collection method: clinical testing. Allele origin: germline.
Comment: This sequence change replaces alanine, which is neutral and non-polar, with threonine, which is neutral and polar, at codon 407 of the CTNNA1 protein (p.Ala407Thr). This variant is not present in population databases (gnomAD no frequency). This variant has not been reported in the literature in individuals affected with CTNNA1-related conditions. ClinVar contains an entry for this variant (Variation ID: 1497131). Invitae Evidence Modeling of protein sequence and biophysical properties (such as structural, functional, and spatial information, amino acid conservation, physicochemical variation, residue mobility, and thermodynamic stability) indicates that this missense variant is expected to disrupt CTNNA1 protein function with a positive predictive value of 80%. In summary, the available evidence is currently insufficient to determine the role of this variant in disease. Therefore, it has been classified as a Variant of Uncertain Significance.

Ambry Genetics
Classification: Uncertain significance for Hereditary cancer-predisposing syndrome. Last evaluated: 2024-03-18. Review status: criteria provided, single submitter. Criteria: Ambry Variant Classification Scheme 2023. Collection method: clinical testing. Allele origin: germline.
Comment: The p.A407T variant (also known as c.1219G>A), located in coding exon 8 of the CTNNA1 gene, results from a G to A substitution at nucleotide position 1219. The alanine at codon 407 is replaced by threonine, an amino acid with similar properties. This amino acid position is highly conserved in available vertebrate species. In addition, this alteration is predicted to be deleterious by in silico analysis. The evidence for this gene-disease relationship is limited; therefore, the clinical significance of this alteration is unclear.